The following is an entry in ClinVar:

NM_005422.4(TECTA):c.3316G>A (p.Gly1106Ser)

Genes: TBCEL-TECTA (TBCEL-TECTA readthrough; plus strand), TECTA (tectorin alpha; plus strand). Cytogenetic location: 11q23.3.
Variant type: single nucleotide variant.
Coding change: c.3316G>A on transcript NM_005422.4 (MANE Select); coding-DNA position 3316, G replaced by A.
Protein change: p.Gly1106Ser; replaces glycine 1106 with serine.
Molecular consequence: missense variant.
Genome position (GRCh38, 1-based): chr11:121,137,795, G>A. VCF-style: chr11-121137795-G-A. GRCh37 (hg19) VCF-style: chr11-121008504-G-A.
Other names: c.4273G>A, p.Gly1425Ser (NM_001378761.1); short protein forms G1106S, G1425S.
Identifiers: ClinVar variation 4988326 (VCV004988326.1).

ClinVar aggregate classification (germline): Uncertain significance (1 of 4 stars; one submission).

Conditions:
TECTA-related disorder. Also called: TECTA-related condition.

gnomAD v4.1: 10 of 1,613,710 alleles (0.00062%); highest among the groups gnomAD compares: South Asian, 0.0066%; 1 homozygote.

Submission:

PreventionGenetics, part of Exact Sciences
Classification: Uncertain significance for TECTA-related condition. Last evaluated: 2024-12-20. Review status: criteria provided, single submitter. Criteria: ACMG Guidelines, 2015. Collection method: clinical testing. Allele origin: germline.
Comment: The TECTA c.3316G>A variant is predicted to result in the amino acid substitution p.Gly1106Ser. To our knowledge, this variant has not been reported in the literature. This variant is reported in 0.0098% of alleles in individuals of South Asian descent in gnomAD. At this time, the clinical significance of this variant is uncertain due to the absence of conclusive functional and genetic evidence.